The following is an entry in ClinVar:

ClinVar aggregate classification (germline): Uncertain significance (1 of 4 stars; one submission).

gnomAD v4.1: 7 of 1,614,024 alleles (0.00043%); highest among the groups gnomAD compares: Admixed American, 0.0017%; no homozygotes.

Submission:

Labcorp Genetics (formerly Invitae), Labcorp
Classification: Uncertain significance. Last evaluated: 2025-11-11. Review status: criteria provided, single submitter. Criteria: Invitae Variant Classification Sherloc (09022015). Collection method: clinical testing. Allele origin: germline.
Comment: This sequence change replaces valine, which is neutral and non-polar, with methionine, which is neutral and non-polar, at codon 437 of the FBN3 protein (p.Val437Met). This variant is present in population databases (rs765550768, gnomAD 0.006%). This variant has not been reported in the literature in individuals affected with FBN3-related conditions. ClinVar contains an entry for this variant (Variation ID: 3623014). Invitae Evidence Modeling of protein sequence and biophysical properties (such as structural, functional, and spatial information, amino acid conservation, physicochemical variation, residue mobility, and thermodynamic stability) indicates that this missense variant is not expected to disrupt FBN3 protein function with a negative predictive value of 80%. In summary, the available evidence is currently insufficient to determine the role of this variant in disease. Therefore, it has been classified as a Variant of Uncertain Significance.

NM_032447.5(FBN3):c.1309G>A (p.Val437Met)

Gene: FBN3 (fibrillin 3; minus strand). Cytogenetic location: 19p13.2.
Variant type: single nucleotide variant.
Coding change: c.1309G>A on transcript NM_032447.5 (MANE Select); coding-DNA position 1309, G replaced by A.
Protein change: p.Val437Met; replaces valine 437 with methionine.
Molecular consequence: missense variant.
Genome position (GRCh38, 1-based): chr19:8,136,424, C>T on the plus strand (G>A on the coding strand, the complement: FBN3 is on the minus strand). VCF-style: chr19-8136424-C-T. GRCh37 (hg19) VCF-style: chr19-8201308-C-T.
Other names: c.1309G>A, p.Val437Met (NM_001321431.2); short protein forms V437M.
Identifiers: ClinVar variation 3623014 (VCV003623014.2).